The following is an entry in ClinVar:

ClinVar aggregate classification (germline): Uncertain significance (1 of 4 stars; one submission).

Submission:

Labcorp Genetics (formerly Invitae), Labcorp
Classification: Uncertain significance. Last evaluated: 2023-07-08. Review status: criteria provided, single submitter. Criteria: Invitae Variant Classification Sherloc (09022015). Collection method: clinical testing. Allele origin: germline.
Comment: In summary, the available evidence is currently insufficient to determine the role of this variant in disease. Therefore, it has been classified as a Variant of Uncertain Significance. Advanced modeling of protein sequence and biophysical properties (such as structural, functional, and spatial information, amino acid conservation, physicochemical variation, residue mobility, and thermodynamic stability) performed at Invitae indicates that this missense variant is not expected to disrupt LEMD3 protein function. This variant has not been reported in the literature in individuals affected with LEMD3-related conditions. This variant is not present in population databases (gnomAD no frequency). This sequence change replaces arginine, which is basic and polar, with leucine, which is neutral and non-polar, at codon 242 of the LEMD3 protein (p.Arg242Leu).

NM_014319.5(LEMD3):c.725G>T (p.Arg242Leu)

Gene: LEMD3 (LEM domain containing 3; plus strand). Cytogenetic location: 12q14.3.
Variant type: single nucleotide variant.
Coding change: c.725G>T on transcript NM_014319.5 (MANE Select); coding-DNA position 725, G replaced by T.
Protein change: p.Arg242Leu; replaces arginine 242 with leucine.
Molecular consequence: missense variant.
Genome position (GRCh38, 1-based): chr12:65,170,321, G>T. VCF-style: chr12-65170321-G-T. GRCh37 (hg19) VCF-style: chr12-65564101-G-T.
Other names: c.725G>T, p.Arg242Leu (NM_001167614.2); short protein forms R242L.
Identifiers: ClinVar variation 2738119 (VCV002738119.3), dbSNP rs2498939213, ClinGen allele CA385673825.